The following is an entry in ClinVar:

ClinVar aggregate classification (germline): Likely benign (1 of 4 stars; one submission).

gnomAD v4.1: 17 of 1,550,528 alleles (0.0011%); highest among the groups gnomAD compares: African/African-American, 0.021%; no homozygotes.

Submission:

Mayo Clinic Laboratories, Mayo Clinic
Classification: Likely benign. Last evaluated: 2025-04-24. Review status: criteria provided, single submitter. Criteria: ACMG Guidelines, 2015. Collection method: clinical testing. Allele origin: germline. Observed: 2 variant alleles.
Comment: BP4, BP7, PM2_moderate

NM_001142864.4(PIEZO1):c.6003C>G (p.Pro2001=)

Gene: PIEZO1 (piezo type mechanosensitive ion channel component 1 (Er blood group); minus strand). Cytogenetic location: 16q24.3.
Variant type: single nucleotide variant.
Coding change: c.6003C>G on transcript NM_001142864.4 (MANE Select); coding-DNA position 6003, C replaced by G.
Protein change: p.Pro2001=; no amino-acid change (proline 2001 retained).
Molecular consequence: synonymous variant.
Genome position (GRCh38, 1-based): chr16:88,720,230, G>C on the plus strand (C>G on the coding strand, the complement: PIEZO1 is on the minus strand). VCF-style: chr16-88720230-G-C. GRCh37 (hg19) VCF-style: chr16-88786638-G-C.
Other names: p.Pro2001=.
Identifiers: ClinVar variation 4684132 (VCV004684132.1).
Genomic context (GRCh38, chr16:88,720,230, plus strand): 5'-GAGGGCGCGGTCAACCACCATGGTACTGAACTGGATCAGCAGCATGACCAGGAAAGCCTC[G>C]GGTACCTGGTCGTCTGATAGGGAGGACGTGATGTCTGTGGCCGCCGAGTGCTTCTGTGGC-3'
Protein context (NP_001136336.2, residues 1991-2011): ITSSLSDDQV[Pro2001=]EAFLVMLLIQ